The following is an entry in ClinVar:

NM_016284.5(CNOT1):c.895C>G (p.Arg299Gly)

Gene: CNOT1 (CCR4-NOT transcription complex subunit 1; minus strand). Cytogenetic location: 16q21.
Variant type: single nucleotide variant.
Coding change: c.895C>G on transcript NM_016284.5 (MANE Select); coding-DNA position 895, C replaced by G.
Protein change: p.Arg299Gly; replaces arginine 299 with glycine.
Molecular consequence: missense variant. On other transcripts: non-coding transcript variant (1).
Genome position (GRCh38, 1-based): chr16:58,583,094, G>C on the plus strand (C>G on the coding strand, the complement: CNOT1 is on the minus strand). VCF-style: chr16-58583094-G-C. GRCh37 (hg19) VCF-style: chr16-58616998-G-C.
Other names: c.895C>G, p.Arg299Gly (NM_001265612.2, NM_206999.3); short protein forms R299G.
Identifiers: ClinVar variation 1922438 (VCV001922438.5), dbSNP rs764336114, ClinGen allele CA8090042.
Genomic context (GRCh38, chr16:58,583,094, plus strand): 5'-AAAATAGCTGAATTCAACACACCTGTAATGGAATGCCATCTGTTAATCCTGAATGAGTTC[G>C]AGCCATCATTCCCAAAACCCTTGCAACCTGGGCAGCTGTGACCTCCCGAACACCAAACTG-3'
Protein context (NP_057368.3, residues 289-309): QVARVLGMMA[Arg299Gly]THSGLTDGIP

ClinVar aggregate classification (germline): Uncertain significance (1 of 4 stars; one submission).

Allele frequency attached by ClinVar (database versions not stated): gnomAD exomes below 0.00001; TOPMed below 0.00001; ExAC 0.00001.

Submission:

Labcorp Genetics (formerly Invitae), Labcorp
Classification: Uncertain significance. Last evaluated: 2025-02-24. Review status: criteria provided, single submitter. Criteria: Invitae Variant Classification Sherloc (09022015). Collection method: clinical testing. Allele origin: germline.
Comment: This sequence change replaces arginine, which is basic and polar, with glycine, which is neutral and non-polar, at codon 299 of the CNOT1 protein (p.Arg299Gly). This variant is present in population databases (rs764336114, gnomAD 0.007%). This variant has not been reported in the literature in individuals affected with CNOT1-related conditions. ClinVar contains an entry for this variant (Variation ID: 1922438). An algorithm developed to predict the effect of missense changes on protein structure and function (PolyPhen-2) suggests that this variant is likely to be disruptive. In summary, the available evidence is currently insufficient to determine the role of this variant in disease. Therefore, it has been classified as a Variant of Uncertain Significance.